The following is an entry in ClinVar:

NM_001079843.3(CASZ1):c.453G>A (p.Ser151=)

Gene: CASZ1 (castor zinc finger 1; minus strand). Cytogenetic location: 1p36.22.
Variant type: single nucleotide variant.
Coding change: c.453G>A on transcript NM_001079843.3 (MANE Select); coding-DNA position 453, G replaced by A.
Protein change: p.Ser151=; no amino-acid change (serine 151 retained).
Molecular consequence: synonymous variant.
Genome position (GRCh38, 1-based): chr1:10,665,135, C>T on the plus strand (G>A on the coding strand, the complement: CASZ1 is on the minus strand). VCF-style: chr1-10665135-C-T. GRCh37 (hg19) VCF-style: chr1-10725192-C-T.
Other names: c.453G>A, p.Ser151= (NM_017766.5).
Identifiers: ClinVar variation 3341899 (VCV003341899.16).

ClinVar aggregate classification (germline): Likely benign (1 of 4 stars; one submission).

gnomAD v4.1: 29 of 1,527,558 alleles (0.0019%); highest among the groups gnomAD compares: East Asian, 0.014%; no homozygotes.

Submission:

CeGaT Center for Human Genetics Tuebingen
Classification: Likely benign. Last evaluated: 2024-08-01. Review status: criteria provided, single submitter. Criteria: CeGaT Center For Human Genetics Tuebingen Variant Classification Criteria Version 2. Collection method: clinical testing. Allele origin: germline. Affected: yes. Observed: 1 variant allele.
Comment: CASZ1: BP4, BP7